The following is an entry in ClinVar:

ClinVar aggregate classification (germline): Likely benign (1 of 4 stars; one submission).

gnomAD v4.1: 10 of 1,211,258 alleles (0.00083%); highest among the groups gnomAD compares: Non-Finnish European, 0.0011%; no homozygotes.

Submission:

CeGaT Center for Human Genetics Tuebingen
Classification: Likely benign. Last evaluated: 2026-04-01. Review status: criteria provided, single submitter. Criteria: CeGaT Center For Human Genetics Tuebingen Variant Classification Criteria Version 2. Collection method: clinical testing. Allele origin: germline. Affected: yes. Observed: 1 variant allele.
Comment: DDX53: BP4

NM_182699.4(DDX53):c.463C>T (p.Arg155Cys)

Genes: DDX53 (DEAD-box helicase 53; plus strand), PTCHD1-AS (PTCHD1 and PHEX antisense RNA; minus strand). Cytogenetic location: Xp22.11.
Variant type: single nucleotide variant.
Coding change: c.463C>T on transcript NM_182699.4 (MANE Select); coding-DNA position 463, C replaced by T.
Protein change: p.Arg155Cys; replaces arginine 155 with cysteine.
Molecular consequence: missense variant.
Genome position (GRCh38, 1-based): chrX:23,000,520, C>T. VCF-style: chrX-23000520-C-T. GRCh37 (hg19) VCF-style: chrX-23018637-C-T.
Other names: short protein forms R155C.
Identifiers: ClinVar variation 4872532 (VCV004872532.2).